The following is an entry in ClinVar:

NM_201384.3(PLEC):c.3097G>A (p.Val1033Met)

Gene: PLEC (plectin; minus strand). Cytogenetic location: 8q24.3.
Variant type: single nucleotide variant.
Coding change: c.3097G>A on transcript NM_201384.3 (MANE Select); coding-DNA position 3097, G replaced by A.
Protein change: p.Val1033Met; replaces valine 1033 with methionine.
Molecular consequence: missense variant.
Genome position (GRCh38, 1-based): chr8:143,929,266, C>T on the plus strand (G>A on the coding strand, the complement: PLEC is on the minus strand). VCF-style: chr8-143929266-C-T. GRCh37 (hg19) VCF-style: chr8-145003434-C-T.
Other names: c.3178G>A, p.Val1060Met (NM_000445.5, NM_001410941.1); c.3055G>A, p.Val1019Met (NM_201378.4); c.3031G>A, p.Val1011Met (NM_201379.3); c.3508G>A, p.Val1170Met (NM_201380.4); c.3001G>A, p.Val1001Met (NM_201381.3); c.3097G>A, p.Val1033Met (NM_201382.4); c.3109G>A, p.Val1037Met (NM_201383.3); short protein forms V1001M, V1170M, V1037M, V1011M, V1019M, V1033M, V1060M.
Identifiers: ClinVar variation 1967344 (VCV001967344.5), dbSNP rs1554710577, ClinGen allele CA372569159.
Genomic context (GRCh38, chr8:143,929,266, plus strand): 5'-GGGCCAAGACCTTCTCGGCCTCGGCAGAGAGCCGGGCGACCCCCTTGCCCAGCCCCTCCA[C>T]CTCTGCCTGTGCCTTCTGCAAAGACAGGGAGTGGGAACGCACTCATCACCGAGCGCAGCA-3'
Protein context (NP_958786.1, residues 1023-1043): IAEQQKAQAE[Val1033Met]EGLGKGVARL

ClinVar aggregate classification (germline): Uncertain significance (1 of 4 stars; one submission).

Conditions:
Epidermolysis bullosa simplex 5B, with muscular dystrophy (EBS5B). Also called: Epidermolysis bullosa simplex with muscular dystrophy; EPIDERMOLYSIS BULLOSA SIMPLEX AND LIMB-GIRDLE MUSCULAR DYSTROPHY. Identifiers: Orphanet 257, MedGen C2931072, MONDO:0009181, OMIM 226670.
Epidermolysis bullosa simplex, Ogna type (EBS5A). Also called: Pidermolysis bullosa simplex 5A, Ogna type; EPIDERMOLYSIS BULLOSA SIMPLEX 5A, OGNA TYPE. Identifiers: Orphanet 79401, MedGen C0432317, MONDO:0007555, OMIM 131950.
Epidermolysis bullosa simplex 5C, with pyloric atresia (EBS5C). Also called: Epidermolysis bullosa simplex with pyloric atresia; PLEC-Related Epidermolysis Bullosa with Pyloric Atresia; PLEC1-Related Epidermolysis Bullosa with Pyloric Atresia. Identifiers: Orphanet 158684, MedGen C2677349, MONDO:0012807, OMIM 612138.
Autosomal recessive limb-girdle muscular dystrophy type 2Q (LGMDR17). Also called: MUSCULAR DYSTROPHY, LIMB-GIRDLE, AUTOSOMAL RECESSIVE 17. Identifiers: Orphanet 254361, MedGen C3150989, MONDO:0013390, OMIM 613723.
Epidermolysis bullosa simplex with nail dystrophy (EBS5D). Identifiers: MedGen C4225309, MONDO:0014661, OMIM 616487.

Allele frequency attached by ClinVar (database versions not stated): gnomAD exomes below 0.00001.
gnomAD v4.1: 2 of 1,601,144 alleles (0.00012%); highest among the groups gnomAD compares: Admixed American, 0.0033%; no homozygotes.

Submission:

Labcorp Genetics (formerly Invitae), Labcorp
Classification: Uncertain significance for Autosomal recessive limb-girdle muscular dystrophy type 2Q; Epidermolysis bullosa simplex, Ogna type; Epidermolysis bullosa simplex with nail dystrophy; Epidermolysis bullosa simplex 5C, with pyloric atresia; Epidermolysis bullosa simplex 5B, with muscular dystrophy. Last evaluated: 2023-01-31. Review status: criteria provided, single submitter. Criteria: Invitae Variant Classification Sherloc (09022015). Collection method: clinical testing. Allele origin: germline.
Comment: This sequence change replaces valine, which is neutral and non-polar, with methionine, which is neutral and non-polar, at codon 1060 of the PLEC protein (p.Val1060Met). The frequency data for this variant in the population databases is considered unreliable, as metrics indicate poor data quality at this position in the gnomAD database. In summary, the available evidence is currently insufficient to determine the role of this variant in disease. Therefore, it has been classified as a Variant of Uncertain Significance. Algorithms developed to predict the effect of missense changes on protein structure and function are either unavailable or do not agree on the potential impact of this missense change (SIFT: "Deleterious"; PolyPhen-2: "Not Available"; Align-GVGD: "Class C0"). This variant has not been reported in the literature in individuals affected with PLEC-related conditions.